The following is an entry in ClinVar:

NC_000022.10:g.(?_32174065)_(32174174_?)del

Gene: DEPDC5 (DEP domain containing 5, GATOR1 subcomplex subunit; plus strand). Cytogenetic location: 22q12.2.
Variant type: Deletion.
Identifiers: ClinVar variation 3247798 (VCV003247798.1).

ClinVar aggregate classification (germline): Pathogenic (1 of 4 stars; one submission).

Conditions:
Familial focal epilepsy with variable foci (FPEVF). Identifiers: Orphanet 98820, MedGen C1858477, MONDO:0020310.

Submission:

Labcorp Genetics (formerly Invitae), Labcorp
Classification: Pathogenic for Familial focal epilepsy with variable foci. Last evaluated: 2023-06-09. Review status: criteria provided, single submitter. Criteria: Invitae Variant Classification Sherloc (09022015). Collection method: clinical testing. Allele origin: unknown.
Comment: For these reasons, this variant has been classified as Pathogenic. This variant has not been reported in the literature in individuals affected with DEPDC5-related conditions. This variant is a gross deletion of the genomic region encompassing exon(s) 8 of the DEPDC5 gene. This deletion is out-of-frame, and is expected to create a premature termination codon and result in an absent or disrupted protein product. Loss-of-function variants in DEPDC5 are known to be pathogenic (PMID: 23542697, 23542701).

Literature cited by the submitters: PubMed 23542697; PubMed 23542701.